The following is an entry in ClinVar:

ClinVar aggregate classification (germline): Uncertain significance (1 of 4 stars; one submission).

Submission:

GeneDx
Classification: Uncertain significance. Last evaluated: 2017-07-25. Review status: criteria provided, single submitter. Criteria: GeneDx Variant Classification (06012015). Collection method: clinical testing. Allele origin: germline. Affected: yes.
Comment: The F180C variant in the CHRNE gene has not been reported previously as a pathogenic variant, nor as a benign variant, to our knowledge. The F180C variant is not observed in large population cohorts (Lek et al., 2016; 1000 Genomes Consortium et al., 2015; Exome Variant Server). The F180C variant is a non-conservative amino acid substitution, which is likely to impact secondary protein structure as these residues differ in polarity, charge, size and/or other properties. This substitution occurs at a position where amino acids with similar properties to Phenylalanine are tolerated across species. In silico analysis is inconsistent in its predictions as to whether or not the variant is damaging to the protein structure/function. We interpret F180C as a variant of uncertain significance.

NM_000080.4(CHRNE):c.539T>G (p.Phe180Cys)

Genes: C17orf107 (chromosome 17 open reading frame 107; plus strand), CHRNE (cholinergic receptor nicotinic epsilon subunit; minus strand). Cytogenetic location: 17p13.2.
Variant type: single nucleotide variant.
Coding change: c.539T>G on transcript NM_000080.4 (MANE Select); coding-DNA position 539, T replaced by G.
Protein change: p.Phe180Cys; replaces phenylalanine 180 with cysteine.
Molecular consequence: missense variant. On other transcripts: 3 prime UTR variant (1).
Genome position (GRCh38, 1-based): chr17:4,901,587, A>C on the plus strand (T>G on the coding strand, the complement: CHRNE is on the minus strand). VCF-style: chr17-4901587-A-C. GRCh37 (hg19) VCF-style: chr17-4804882-A-C.
Other names: c.*1054A>C (NM_001145536.2); short protein forms F180C.
Identifiers: ClinVar variation 450660 (VCV000450660.2), dbSNP rs1555546875, ClinGen allele CA397305960.
Genomic context (GRCh38, chr17:4,901,587, plus strand): 5'-GTATAGGCCTCTGTGTCGATGTCGATCTTGTTGATGGTCTTGCCGTCGTTGTCTACGGCA[A>C]AAGTGAACTCCACCTCTTCGGCATTGTACGTCTGAGAGCTGCGGAGCCAGGGCCGGGAGC-3'
Protein context (NP_000071.1, residues 170-190): TYNAEEVEFT[Phe180Cys]AVDNDGKTIN